The following is an entry in ClinVar:

ClinVar aggregate classification (germline): Pathogenic (1 of 4 stars; one submission).

Submission:

Labcorp Genetics (formerly Invitae), Labcorp
Classification: Pathogenic. Last evaluated: 2021-02-11. Review status: criteria provided, single submitter. Criteria: Invitae Variant Classification Sherloc (09022015). Collection method: clinical testing. Allele origin: germline.
Comment: For these reasons, this variant has been classified as Pathogenic. This variant has not been reported in the literature in individuals with COL2A1-related conditions. This variant is not present in population databases (ExAC no frequency). This sequence change creates a premature translational stop signal (p.Asp769Trpfs*2) in the COL2A1 gene. It is expected to result in an absent or disrupted protein product. Loss-of-function variants in COL2A1 are known to be pathogenic (PMID: 20179744).

Literature cited by the submitters: PubMed 20179744.

NM_001844.5(COL2A1):c.2305_2309del (p.Asp769fs)

Gene: COL2A1 (collagen type II alpha 1 chain; minus strand). Cytogenetic location: 12q13.11.
Variant type: Deletion.
Coding change: c.2305_2309del on transcript NM_001844.5 (MANE Select); coding-DNA positions 2305 to 2309, 5 bases deleted (GACGT; older notation c.2305_2309delGACGT).
Protein change: p.Asp769fs; shifts the reading frame from aspartic acid 769.
Molecular consequence: frameshift variant.
Genome position (GRCh38, 1-based): chr12:47,982,153-47,982,157, ACGTC deleted on the plus strand (GACGT on the coding strand, the reverse complement: COL2A1 is on the minus strand); deleting any 5 consecutive bases within chr12:47,982,153-47,982,159 gives the same sequence; the c. name uses the placement nearest the transcript's 3' end. VCF-style (leftmost placement, unchanged base first): chr12-47982152-AACGTC-A. GRCh37 (hg19) VCF-style: chr12-48375935-AACGTC-A.
Other names: c.2098_2102del, p.Asp700fs (NM_033150.3); short protein forms D769fs, D700fs.
Identifiers: ClinVar variation 1416468 (VCV001416468.6), dbSNP rs2136546785, ClinGen allele CA2573148589.
Genomic context (GRCh38, chr12:47,982,152, plus strand): 5'-CCCGCATTCACTTACTCGTCCACCATCCTTTCCAGGGGCTCCCTCAGGGCCTTTCTCACC[AACGTC>A]ACCCTGAGGGAAGAGAAAACCAGCCGCCTCAGCCAGGCACCCCAGGACCCCCATGGTTTG-3'